The following is an entry in ClinVar:

ClinVar aggregate classification (germline): Uncertain significance (1 of 4 stars; one submission).

Conditions:
Cardiovascular phenotype. Identifiers: MedGen CN230736.

Allele frequency attached by ClinVar (database versions not stated): gnomAD exomes below 0.00001; TOPMed 0.00001.
gnomAD v4.1: 1 of 1,613,920 alleles (0.000062%); highest among the groups gnomAD compares: African/African-American, 0.0013%; no homozygotes.

Submission:

Ambry Genetics
Classification: Uncertain significance for Cardiovascular phenotype. Last evaluated: 2023-02-11. Review status: criteria provided, single submitter. Criteria: Ambry Variant Classification Scheme 2023. Collection method: clinical testing. Allele origin: germline.
Comment: The p.Y3223H variant (also known as c.9667T>C), located in coding exon 26 of the APOB gene, results from a T to C substitution at nucleotide position 9667. The tyrosine at codon 3223 is replaced by histidine, an amino acid with similar properties. This amino acid position is conserved. In addition, this alteration is predicted to be tolerated by in silico analysis. Since supporting evidence is limited at this time, the clinical significance of this alteration remains unclear.

NM_000384.3(APOB):c.9667T>C (p.Tyr3223His)

Gene: APOB (apolipoprotein B; minus strand). Cytogenetic location: 2p24.1.
Variant type: single nucleotide variant.
Coding change: c.9667T>C on transcript NM_000384.3 (MANE Select); coding-DNA position 9667, T replaced by C.
Protein change: p.Tyr3223His; replaces tyrosine 3223 with histidine.
Molecular consequence: missense variant.
Genome position (GRCh38, 1-based): chr2:21,007,201, A>G on the plus strand (T>C on the coding strand, the complement: APOB is on the minus strand). VCF-style: chr2-21007201-A-G. GRCh37 (hg19) VCF-style: chr2-21230073-A-G.
Other names: short protein forms Y3223H.
Identifiers: ClinVar variation 2446991 (VCV002446991.2), dbSNP rs1324189615, ClinGen allele CA345989251.